The following is an entry in ClinVar:

NM_020822.3(KCNT1):c.1402-7C>G

Gene: KCNT1 (potassium sodium-activated channel subfamily T member 1; plus strand). Cytogenetic location: 9q34.3.
Variant type: single nucleotide variant.
Coding change: c.1402-7C>G on transcript NM_020822.3 (MANE Select); 7 bases into the intron before coding-DNA position 1402, C replaced by G.
Molecular consequence: intron variant.
Genome position (GRCh38, 1-based): chr9:135,768,822, C>G. VCF-style: chr9-135768822-C-G. GRCh37 (hg19) VCF-style: chr9-138660668-C-G.
Other names: c.1267-7C>G (NM_001272003.2).
Identifiers: ClinVar variation 2033944 (VCV002033944.4), dbSNP rs2490944464, ClinGen allele CA2580080066.

ClinVar aggregate classification (germline): Uncertain significance (1 of 4 stars; one submission).

Conditions:
Autosomal dominant nocturnal frontal lobe epilepsy 5. Also called: CILIARY DYSKINESIA, PRIMARY, 28, WITH SITUS INVERSUS; CILIARY DYSKINESIA, PRIMARY, 28, WITHOUT SITUS INVERSUS; KCNT1-Related Epilepsy; Epilepsy, nocturnal frontal lobe, 5. Identifiers: Orphanet 98784, MedGen C3554306, MONDO:0014002, OMIM 615005.
Developmental and epileptic encephalopathy, 14 (DEE14). Also called: Early infantile epileptic encephalopathy 14. Identifiers: Orphanet 293181, MedGen C3554195, MONDO:0013989, OMIM 614959.

Submission:

Labcorp Genetics (formerly Invitae), Labcorp
Classification: Uncertain significance for Autosomal dominant nocturnal frontal lobe epilepsy 5; Developmental and epileptic encephalopathy, 14. Last evaluated: 2022-01-19. Review status: criteria provided, single submitter. Criteria: Invitae Variant Classification Sherloc (09022015). Collection method: clinical testing. Allele origin: germline.
Comment: In summary, the available evidence is currently insufficient to determine the role of this variant in disease. Therefore, it has been classified as a Variant of Uncertain Significance. Algorithms developed to predict the effect of sequence changes on RNA splicing suggest that this variant may disrupt the consensus splice site. This variant has not been reported in the literature in individuals affected with KCNT1-related conditions. This variant is not present in population databases (gnomAD no frequency). This sequence change falls in intron 14 of the KCNT1 gene. It does not directly change the encoded amino acid sequence of the KCNT1 protein.